The following is an entry in ClinVar:

NM_004136.4(IREB2):c.1330T>A (p.Ser444Thr)

Gene: IREB2 (iron responsive element binding protein 2; plus strand). Cytogenetic location: 15q25.1.
Variant type: single nucleotide variant.
Coding change: c.1330T>A on transcript NM_004136.4 (MANE Select); coding-DNA position 1330, T replaced by A.
Protein change: p.Ser444Thr; replaces serine 444 with threonine.
Molecular consequence: missense variant.
Genome position (GRCh38, 1-based): chr15:78,483,351, T>A. VCF-style: chr15-78483351-T-A. GRCh37 (hg19) VCF-style: chr15-78775693-T-A.
Other names: c.580T>A, p.Ser194Thr (NM_001320941.2); c.1159T>A, p.Ser387Thr (NM_001320942.2, NM_001354994.2); c.1330T>A (NM_004136.2); short protein forms S387T, S444T, S194T.
Identifiers: ClinVar variation 1939645 (VCV001939645.6), dbSNP rs2051607525, ClinGen allele CA393570203.
Genomic context (GRCh38, chr15:78,483,351, plus strand): 5'-TTGTTCTTTCTCTTTCTCATTTCTTAGGTGATCCAGATTAATCTGAATTCAATAGTTCCA[T>A]CTGTTAGTGGTCCAAAAAGACCTCAGGATAGAGTTGCTGTGACAGATATGAAAAGCGATT-3'
Protein context (NP_004127.2, residues 434-454): IQINLNSIVP[Ser444Thr]VSGPKRPQDR

ClinVar aggregate classification (germline): Uncertain significance. Review status: criteria provided, multiple submitters, no conflicts (2 of 4 stars). 2 submissions from 2 submitters: Uncertain significance (2). Last evaluated 2024-11-22.

Conditions:
Inborn genetic diseases. Identifiers: MedGen C0950123, MeSH D030342.

Allele frequency attached by ClinVar (database versions not stated): TOPMed 0.00001.

Submissions (2):

Ambry Genetics
Classification: Uncertain significance for Inborn genetic diseases. Last evaluated: 2024-11-22. Review status: criteria provided, single submitter. Criteria: Ambry Variant Classification Scheme 2023. Collection method: clinical testing. Allele origin: germline.

Labcorp Genetics (formerly Invitae), Labcorp
Classification: Uncertain significance. Last evaluated: 2022-04-16. Review status: criteria provided, single submitter. Criteria: Invitae Variant Classification Sherloc (09022015). Collection method: clinical testing. Allele origin: germline.
Comment: In summary, the available evidence is currently insufficient to determine the role of this variant in disease. Therefore, it has been classified as a Variant of Uncertain Significance. Algorithms developed to predict the effect of missense changes on protein structure and function output the following: SIFT: "Not Available"; PolyPhen-2: "Benign"; Align-GVGD: "Not Available". The threonine amino acid residue is found in multiple mammalian species, which suggests that this missense change does not adversely affect protein function. This variant has not been reported in the literature in individuals affected with IREB2-related conditions. This variant is not present in population databases (gnomAD no frequency). This sequence change replaces serine, which is neutral and polar, with threonine, which is neutral and polar, at codon 444 of the IREB2 protein (p.Ser444Thr).